The following is an entry in ClinVar:

ClinVar aggregate classification (germline): Pathogenic (1 of 4 stars; one submission).

Submission:

Quest Diagnostics Nichols Institute San Juan Capistrano
Classification: Pathogenic. Last evaluated: 2024-03-27. Review status: criteria provided, single submitter. Criteria: ACMG/ClinGen CNV Guidelines, 2019. Collection method: clinical testing. Allele origin: unknown.
Comment: The loss of 11q23.1 involves exons 2-4 (NM_003002.4) of SDHD (OMIM 602690). Haploinsufficiency of SDHD is associated with pheochromocytoma/paraganglioma syndrome 1 (OMIM 168000; CCID:007816), although pathogenic SDHD variants show a parent-of-origin effect (Else 2008, Neumann 2002, Papaspyrou 2008, Pigny 2008). There are no similar copy number losses of this region in the general populations of the Database of Genomic Variants. Thus, this copy number variant (CNV) is classified as pathogenic. References: Else et al. GeneReviews [Internet]. 2023 Sept 21. PMID: 20301715; Neumann et al., N Engl J Med. 2002 May 9;346(19):1459-66. PMID: 12000816; Papaspyrou et al., Head Neck. 2008 Jul;30(7):964-9. PMID: 18213727; Pigny et al., Clin. Endocr. Metab. 93: 1609-1615, 2008. PubMed: 18211978

GRCh37/hg19 11q23.1(chr11:111957826-112026707)x1

Genes: IL18 (interleukin 18; minus strand), SDHD (succinate dehydrogenase complex subunit D; plus strand). Cytogenetic location: 11q23.1.
Variant type: copy number loss.
Change: copy number 1 (one copy instead of two) of chr11:111,957,826-112,026,707 (68.9 kb, GRCh37 coordinates, 1-based), cytogenetic band 11q23.1.
Identifiers: ClinVar variation 3391916 (VCV003391916.1).